The following is an entry in ClinVar:

NM_001283009.2(RTEL1):c.3178G>T (p.Val1060Leu)

Genes: RTEL1 (regulator of telomere elongation helicase 1; plus strand), RTEL1-TNFRSF6B (RTEL1-TNFRSF6B readthrough (NMD candidate); plus strand). Cytogenetic location: 20q13.33.
Variant type: single nucleotide variant.
Coding change: c.3178G>T on transcript NM_001283009.2 (MANE Select); coding-DNA position 3178, G replaced by T.
Protein change: p.Val1060Leu; replaces valine 1060 with leucine.
Molecular consequence: missense variant. On other transcripts: non-coding transcript variant (1).
Genome position (GRCh38, 1-based): chr20:63,694,809, G>T. VCF-style: chr20-63694809-G-T. GRCh37 (hg19) VCF-style: chr20-62326162-G-T.
Other names: c.2509G>T, p.Val837Leu (NM_001283010.1); c.3178G>T, p.Val1060Leu (NM_016434.4); c.3250G>T, p.Val1084Leu (NM_032957.5); short protein forms V1060L, V1084L, V837L.
Identifiers: ClinVar variation 2042476 (VCV002042476.4), dbSNP rs116768542, ClinGen allele CA409684911.
Genomic context (GRCh38, chr20:63,694,809, plus strand): 5'-GGCAGCCAACCACAGTGGGGGTCTGGAGTGCCCAGAGCAGGGAAGCAGGGCCAGCACGCC[G>T]TGAGCGCCTACCTGGCTGATGCCCGCAGGGCCCTGGGGTCCGCGGGCTGTAGCCAACTCT-3'
Protein context (NP_001269938.1, residues 1050-1070): PRAGKQGQHA[Val1060Leu]SAYLADARRA

ClinVar aggregate classification (germline): Uncertain significance (1 of 4 stars; one submission).

Conditions:
Dyskeratosis congenita, autosomal recessive 5 (DKCB5). Identifiers: MedGen C3554656, MONDO:0014076, OMIM 615190.
Pulmonary fibrosis and/or bone marrow failure, Telomere-related, 3. Also called: PULMONARY FIBROSIS AND/OR BONE MARROW FAILURE SYNDROME, TELOMERE-RELATED, 3. Identifiers: Orphanet 2032, MedGen C4225346, MONDO:0014613, OMIM 616373.

Submission:

Labcorp Genetics (formerly Invitae), Labcorp
Classification: Uncertain significance for Dyskeratosis congenita, autosomal recessive 5; Pulmonary fibrosis and/or bone marrow failure, Telomere-related, 3. Last evaluated: 2021-12-14. Review status: criteria provided, single submitter. Criteria: Invitae Variant Classification Sherloc (09022015). Collection method: clinical testing. Allele origin: germline.
Comment: In summary, the available evidence is currently insufficient to determine the role of this variant in disease. Therefore, it has been classified as a Variant of Uncertain Significance. Algorithms developed to predict the effect of missense changes on protein structure and function (SIFT, PolyPhen-2, Align-GVGD) all suggest that this variant is likely to be tolerated. This variant has not been reported in the literature in individuals affected with RTEL1-related conditions. This variant is not present in population databases (gnomAD no frequency). This sequence change replaces valine, which is neutral and non-polar, with leucine, which is neutral and non-polar, at codon 1060 of the RTEL1 protein (p.Val1060Leu).